The following is an entry in ClinVar:

ClinVar aggregate classification (germline): Likely benign. Review status: criteria provided, multiple submitters, no conflicts (2 of 4 stars). 2 submissions from 2 submitters: Likely benign (2). Last evaluated 2026-02-01.

Allele frequency attached by ClinVar (database versions not stated): gnomAD exomes 0.00007 and 0.00011; ESP Exome Variant Server 0.00008; ExAC 0.00010; gnomAD 0.00015 and 0.00016; TOPMed 0.00015.
gnomAD v4.1: 120 of 1,613,982 alleles (0.0074%); highest among the groups gnomAD compares: Admixed American, 0.052%; no homozygotes.

Submissions (2):

Labcorp Genetics (formerly Invitae), Labcorp
Classification: Likely benign. Last evaluated: 2026-02-01. Review status: criteria provided, single submitter. Criteria: Invitae Variant Classification Sherloc (09022015). Collection method: clinical testing. Allele origin: germline.

CeGaT Center for Human Genetics Tuebingen
Classification: Likely benign. Last evaluated: 2024-05-01. Review status: criteria provided, single submitter. Criteria: CeGaT Center For Human Genetics Tuebingen Variant Classification Criteria Version 2. Collection method: clinical testing. Allele origin: germline. Affected: yes. Observed: 1 variant allele.
Comment: ATP1A1: BP4, BP7

NM_000701.8(ATP1A1):c.1722C>T (p.Asp574=)

Genes: ATP1A1 (ATPase Na+/K+ transporting subunit alpha 1; plus strand), ATP1A1-AS1 (ATP1A1 antisense RNA 1; minus strand). Cytogenetic location: 1p13.1.
Variant type: single nucleotide variant.
Coding change: c.1722C>T on transcript NM_000701.8 (MANE Select); coding-DNA position 1722, C replaced by T.
Protein change: p.Asp574=; no amino-acid change (aspartic acid 574 retained).
Molecular consequence: synonymous variant.
Genome position (GRCh38, 1-based): chr1:116,395,171, C>T. VCF-style: chr1-116395171-C-T. GRCh37 (hg19) VCF-style: chr1-116937793-C-T.
Other names: c.1722C>T, p.Asp574= (NM_001160233.2); c.1629C>T, p.Asp543= (NM_001160234.2).
Identifiers: ClinVar variation 1584568 (VCV001584568.27), dbSNP rs375738842, ClinGen allele CA1025381.